The following is an entry in ClinVar:

ClinVar aggregate classification (germline): Pathogenic (1 of 4 stars; one submission).

Conditions:
Recessive dystrophic epidermolysis bullosa (RDEB). Also called: DYSTROPHIC EPIDERMOLYSIS BULLOSA, AUTOSOMAL RECESSIVE; EPIDERMOLYSIS BULLOSA DYSTROPHICA, HALLOPEAU-SIEMENS TYPE; Hallopeau-Siemens Disease; severe generalized recessive dystrophic epidermolysis bullosa; EPIDERMOLYSIS BULLOSA DYSTROPHICA, GENERALIZED SEVERE, AUTOSOMAL RECESSIVE; Epidermolysis Bullosa Distrophica Autosomal Recessive (RDEB). Identifiers: Orphanet 79408, Orphanet 79409, MedGen C0079474, MONDO:0009179, OMIM 226600.

Submission:

Myriad Genetics, Inc.
Classification: Pathogenic for Recessive dystrophic epidermolysis bullosa. Last evaluated: 2025-10-12. Review status: criteria provided, single submitter. Criteria: Myriad Autosomal Dominant, Autosomal Recessive and X-Linked Classification Criteria (2023). Collection method: clinical testing. Allele origin: unknown.
Comment: NM_000094.3(COL7A1):c.6330delT(G2111Dfs*95) is expected to be pathogenic in the context of dystrophic epidermolysis bullosa. This variant is predicted to lead to an abnormal or absent protein product due to the creation of a premature termination codon in COL7A1, a gene where loss-of-function variants are known to be pathogenic. Please note: this variant was assessed in the context of healthy population screening.

NM_000094.4(COL7A1):c.6330del (p.Gly2111fs)

Gene: COL7A1 (collagen type VII alpha 1 chain; minus strand). Cytogenetic location: 3p21.31.
Variant type: Deletion.
Coding change: c.6330del on transcript NM_000094.4 (MANE Select); coding-DNA position 6330, one base deleted (T; older notation c.6330delT).
Protein change: p.Gly2111fs; shifts the reading frame from glycine 2111.
Molecular consequence: frameshift variant.
Genome position (GRCh38, 1-based): chr3:48,574,815, A deleted on the plus strand (T on the coding strand, the reverse complement: COL7A1 is on the minus strand). VCF-style (leftmost placement, unchanged base first): chr3-48574814-CA-C. GRCh37 (hg19) VCF-style: chr3-48612247-CA-C.
Other names: short protein forms G2111fs.
Identifiers: ClinVar variation 5015084 (VCV005015084.1).